The following is an entry in ClinVar:

ClinVar aggregate classification (germline): Conflicting classifications of pathogenicity. Review status: criteria provided, conflicting classifications (1 of 4 stars). 3 submissions from 3 submitters: Uncertain significance (2); Likely benign (1). Last evaluated 2024-11-18.

Conditions:
Hereditary breast ovarian cancer syndrome. Also called: BRCA1- and BRCA2-Associated Hereditary Breast and Ovarian Cancer; Hereditary breast and ovarian cancer; Hereditary breast and ovarian cancer syndrome; Breast and ovarian cancer; Hereditary breast and/or ovarian cancer syndrome; Hereditary breast and ovarian cancer syndrome (HBOC). Identifiers: Orphanet 145, MedGen C0677776, MeSH D061325, MONDO:0003582. Disease mechanism: loss of function.
Hereditary cancer-predisposing syndrome. Also called: Tumor predisposition; Hereditary neoplastic syndrome; Neoplastic Syndromes, Hereditary; Hereditary Cancer Syndrome. Identifiers: Orphanet 140162, MedGen C0027672, MeSH D009386, MONDO:0015356.

Submissions (3):

Ambry Genetics
Classification: Uncertain significance for Hereditary cancer-predisposing syndrome. Last evaluated: 2024-11-18. Review status: criteria provided, single submitter. Criteria: Ambry Variant Classification Scheme 2023. Collection method: clinical testing. Allele origin: germline.
Comment: The p.G1334V variant (also known as c.4001G>T), located in coding exon 9 of the BRCA1 gene, results from a G to T substitution at nucleotide position 4001. The glycine at codon 1334 is replaced by valine, an amino acid with dissimilar properties. This amino acid position is not well conserved in available vertebrate species. In addition, this alteration is predicted to be tolerated by in silico analysis. Based on the available evidence, the clinical significance of this variant remains unclear.

University of Washington Department of Laboratory Medicine, University of Washington
Classification: Likely benign for Hereditary cancer-predisposing syndrome. Last evaluated: 2023-03-23. Review status: criteria provided, single submitter. Criteria: Dines et al. (Genet Med. 2020). Collection method: curation. Allele origin: germline.
Comment: Missense variant in a coldspot region where missense variants are very unlikely to be pathogenic (PMID:31911673).

BRCA1 coldspot (exon 11 using historical exon numbering). Reclassification based on statistical prior probability

Labcorp Genetics (formerly Invitae), Labcorp
Classification: Uncertain significance for Hereditary breast ovarian cancer syndrome. Last evaluated: 2021-10-23. Review status: criteria provided, single submitter. Criteria: Invitae Variant Classification Sherloc (09022015). Collection method: clinical testing. Allele origin: germline.
Comment: This sequence change replaces glycine with valine at codon 1334 of the BRCA1 protein (p.Gly1334Val). The glycine residue is weakly conserved and there is a moderate physicochemical difference between glycine and valine. This variant is not present in population databases (ExAC no frequency). This variant has not been reported in the literature in individuals affected with BRCA1-related conditions. Advanced modeling of protein sequence and biophysical properties (such as structural, functional, and spatial information, amino acid conservation, physicochemical variation, residue mobility, and thermodynamic stability) performed at Invitae indicates that this missense variant is not expected to disrupt BRCA1 protein function. In summary, the available evidence is currently insufficient to determine the role of this variant in disease. Therefore, it has been classified as a Variant of Uncertain Significance.

NM_007294.4(BRCA1):c.4001G>T (p.Gly1334Val)

Genes: BRCA1 (BRCA1 DNA repair associated; minus strand), LOC126862571 (BRD4-independent group 4 enhancer GRCh37_chr17:41243136-41244335; plus strand). Cytogenetic location: 17q21.31.
Variant type: single nucleotide variant.
Coding change: c.4001G>T on transcript NM_007294.4 (MANE Select); coding-DNA position 4001, G replaced by T.
Protein change: p.Gly1334Val; replaces glycine 1334 with valine.
Molecular consequence: missense variant. On other transcripts: intron variant (135).
Genome position (GRCh38, 1-based): chr17:43,091,530, C>A on the plus strand (G>T on the coding strand, the complement: BRCA1 is on the minus strand). VCF-style: chr17-43091530-C-A. GRCh37 (hg19) VCF-style: chr17-41243547-C-A.
Other names: c.3788G>T, p.Gly1263Val (NM_001407571.1, NM_001407853.1, NM_001407894.1 and 9 more transcripts); c.4001G>T, p.Gly1334Val (NM_001407581.1, NM_001407582.1, NM_001407583.1 and 30 more transcripts); c.3998G>T, p.Gly1333Val (NM_001407587.1, NM_001407590.1, NM_001407591.1 and 22 more transcripts); c.3992G>T, p.Gly1331Val (NM_001407646.1, NM_001407647.1); c.3878G>T, p.Gly1293Val (NM_001407648.1, NM_001407664.1, NM_001407665.1 and 19 more transcripts); c.3875G>T, p.Gly1292Val (NM_001407649.1, NM_001407670.1, NM_001407671.1 and 11 more transcripts); c.3923G>T, p.Gly1308Val (NM_001407653.1, NM_001407654.1, NM_001407655.1 and 4 more transcripts); c.3920G>T, p.Gly1307Val (NM_001407659.1, NM_001407660.1, NM_001407661.1 and 1 more transcripts); and 41 more; short protein forms G1287V, G1334V, G1166V, G1245V, G1267V, G1286V, G1307V, G1038V.
Identifiers: ClinVar variation 1009551 (VCV001009551.13), dbSNP rs2053486938, ClinGen allele CA10593958.